The following is an entry in ClinVar:

NM_005188.4(CBL):c.2614C>G (p.Gln872Glu)

Gene: CBL (Cbl proto-oncogene; plus strand). Cytogenetic location: 11q23.3.
Variant type: single nucleotide variant.
Coding change: c.2614C>G on transcript NM_005188.4 (MANE Select); coding-DNA position 2614, C replaced by G.
Protein change: p.Gln872Glu; replaces glutamine 872 with glutamic acid.
Molecular consequence: missense variant.
Genome position (GRCh38, 1-based): chr11:119,299,674, C>G. VCF-style: chr11-119299674-C-G. GRCh37 (hg19) VCF-style: chr11-119170384-C-G.
Other names: short protein forms Q872E.
Identifiers: ClinVar variation 646831 (VCV000646831.11), dbSNP rs746795014, ClinGen allele CA382933340.

ClinVar aggregate classification (germline): Uncertain significance. Review status: criteria provided, multiple submitters, no conflicts (2 of 4 stars). 2 submissions from 2 submitters: Uncertain significance (2). Last evaluated 2025-11-03.

Conditions:
RASopathy. Also called: rasopathies; Noonan spectrum disorder. Identifiers: Orphanet 536391, MedGen C5555857, MONDO:0021060.

Submissions (2):

Labcorp Genetics (formerly Invitae), Labcorp
Classification: Uncertain significance for RASopathy. Last evaluated: 2025-11-03. Review status: criteria provided, single submitter. Criteria: Invitae Variant Classification Sherloc (09022015). Collection method: clinical testing. Allele origin: germline.
Comment: This sequence change replaces glutamine, which is neutral and polar, with glutamic acid, which is acidic and polar, at codon 872 of the CBL protein (p.Gln872Glu). This variant is not present in population databases (gnomAD no frequency). This variant has not been reported in the literature in individuals affected with CBL-related conditions. ClinVar contains an entry for this variant (Variation ID: 646831). Invitae Evidence Modeling of protein sequence and biophysical properties (such as structural, functional, and spatial information, amino acid conservation, physicochemical variation, residue mobility, and thermodynamic stability) indicates that this missense variant is not expected to disrupt CBL protein function with a negative predictive value of 95%. In summary, the available evidence is currently insufficient to determine the role of this variant in disease. Therefore, it has been classified as a Variant of Uncertain Significance.

Revvity Omics, Revvity
Classification: Uncertain significance. Last evaluated: 2021-12-03. Review status: criteria provided, single submitter. Criteria: ACMG Guidelines, 2015. Collection method: clinical testing. Allele origin: germline.